The following is an entry in ClinVar:

NM_000179.3(MSH6):c.2170G>A (p.Ala724Thr)

Gene: MSH6 (mutS homolog 6; plus strand). Cytogenetic location: 2p16.3.
Variant type: single nucleotide variant.
Coding change: c.2170G>A on transcript NM_000179.3 (MANE Select); coding-DNA position 2170, G replaced by A.
Protein change: p.Ala724Thr; replaces alanine 724 with threonine.
Molecular consequence: missense variant.
Genome position (GRCh38, 1-based): chr2:47,800,153, G>A. VCF-style: chr2-47800153-G-A. GRCh37 (hg19) VCF-style: chr2-48027292-G-A.
Other names: c.1780G>A, p.Ala594Thr (NM_001281492.2); c.1264G>A, p.Ala422Thr (NM_001281493.2, NM_001281494.2); short protein forms A594T, A422T, A724T.
Identifiers: ClinVar variation 921206 (VCV000921206.17), dbSNP rs1254757804, ClinGen allele CA346751174.

ClinVar aggregate classification (germline): Uncertain significance. Review status: criteria provided, multiple submitters, no conflicts (2 of 4 stars). 3 submissions from 3 submitters: Uncertain significance (3). Last evaluated 2025-07-28.

Conditions:
Hereditary nonpolyposis colorectal neoplasms. Identifiers: MedGen C0009405, MeSH D003123.
Hereditary cancer-predisposing syndrome. Also called: Neoplastic Syndromes, Hereditary; Tumor predisposition; Hereditary Cancer Syndrome; Hereditary neoplastic syndrome. Identifiers: Orphanet 140162, MedGen C0027672, MeSH D009386, MONDO:0015356.

Allele frequency attached by ClinVar (database versions not stated): gnomAD exomes below 0.00001; TOPMed below 0.00001.

Submissions (3):

Ambry Genetics
Classification: Uncertain significance for Hereditary cancer-predisposing syndrome. Last evaluated: 2025-07-28. Review status: criteria provided, single submitter. Criteria: Ambry Variant Classification Scheme 2023. Collection method: clinical testing. Allele origin: germline.
Comment: The p.A724T variant (also known as c.2170G>A), located in coding exon 4 of the MSH6 gene, results from a G to A substitution at nucleotide position 2170. The alanine at codon 724 is replaced by threonine, an amino acid with similar properties. This amino acid position is not well conserved in available vertebrate species. In addition, this alteration is predicted to be tolerated by in silico analysis. Based on the available evidence, the clinical significance of this variant remains unclear.

Labcorp Genetics (formerly Invitae), Labcorp
Classification: Uncertain significance for Hereditary nonpolyposis colorectal neoplasms. Last evaluated: 2024-05-13. Review status: criteria provided, single submitter. Criteria: Invitae Variant Classification Sherloc (09022015). Collection method: clinical testing. Allele origin: germline.
Comment: This sequence change replaces alanine, which is neutral and non-polar, with threonine, which is neutral and polar, at codon 724 of the MSH6 protein (p.Ala724Thr). This variant is not present in population databases (gnomAD no frequency). This variant has not been reported in the literature in individuals affected with MSH6-related conditions. ClinVar contains an entry for this variant (Variation ID: 921206). Advanced modeling of protein sequence and biophysical properties (such as structural, functional, and spatial information, amino acid conservation, physicochemical variation, residue mobility, and thermodynamic stability) performed at Invitae indicates that this missense variant is not expected to disrupt MSH6 protein function with a negative predictive value of 95%. In summary, the available evidence is currently insufficient to determine the role of this variant in disease. Therefore, it has been classified as a Variant of Uncertain Significance.

Color Diagnostics, LLC DBA Color Health
Classification: Uncertain significance for Hereditary cancer-predisposing syndrome. Last evaluated: 2023-12-04. Review status: criteria provided, single submitter. Criteria: ACMG Guidelines, 2015. Collection method: clinical testing. Allele origin: germline.
Comment: This missense variant replaces alanine with threonine at codon 724 of the MSH6 protein. Computational prediction tools and conservation analyses are inconclusive regarding the impact of this variant on the protein function. Computational splicing tools suggest that this variant may not impact RNA splicing. To our knowledge, functional assays have not been performed for this variant nor has this variant been reported in individuals affected with hereditary cancer in the literature. This variant has not been identified in the general population by the Genome Aggregation Database (gnomAD). Available evidence is insufficient to determine the role of this variant in disease conclusively. Therefore, this variant is classified as a Variant of Uncertain Significance.